The following is an entry in ClinVar:

ClinVar aggregate classification (germline): Benign/Likely benign. Review status: criteria provided, multiple submitters, no conflicts (2 of 4 stars). 3 submissions from 3 submitters: Benign (1); Likely benign (2). Last evaluated 2025-11-22.

Conditions:
Hypertrophic cardiomyopathy 15. Identifiers: MedGen C2750459, MONDO:0013200, OMIM 613255.
Dilated cardiomyopathy 1W (CMD1W). Identifiers: Orphanet 154, MedGen C1969639, MONDO:0012667, OMIM 611407.

Submissions (5):

Labcorp Genetics (formerly Invitae), Labcorp
Classification: Benign for Dilated cardiomyopathy 1W. Last evaluated: 2025-11-22. Review status: criteria provided, single submitter. Criteria: Invitae Variant Classification Sherloc (09022015). Collection method: clinical testing. Allele origin: germline.

Fulgent Genetics
Classification: Likely benign for Dilated cardiomyopathy 1W; Hypertrophic cardiomyopathy 15. Last evaluated: 2021-10-01. Review status: criteria provided, single submitter. Criteria: ACMG Guidelines, 2015. Collection method: clinical testing. Allele origin: unknown.

GeneDx
Classification: Likely benign. Last evaluated: 2017-07-13. Review status: criteria provided, single submitter. Criteria: GeneDx Variant Classification (06012015). Collection method: clinical testing. Allele origin: germline. Affected: yes.
Comment: This variant is considered likely benign or benign based on one or more of the following criteria: it is a conservative change, it occurs at a poorly conserved position in the protein, it is predicted to be benign by multiple in silico algorithms, and/or has population frequency not consistent with disease.

Dr. Peter K. Rogan Lab, Western University
No classification provided (evidence only). Condition: Familial cancer of breast. Review status: no classification provided. Collection method: in vitro. Allele origin: not applicable. Functional consequence: retained intron. Not counted in ClinVar's aggregate classification.

Dr. Peter K. Rogan Lab, Western University
No classification provided (evidence only). Condition: Colon adenocarcinoma. Review status: no classification provided. Collection method: in vitro. Allele origin: not applicable. Functional consequence: skipped exon. Not counted in ClinVar's aggregate classification.

NM_014000.3(VCL):c.169-11del

Gene: VCL (vinculin; plus strand). Cytogenetic location: 10q22.2.
Variant type: Deletion.
Coding change: c.169-11del on transcript NM_014000.3 (MANE Select); 11 bases into the intron before coding-DNA position 169, one base deleted (T; older notation c.169-11delT).
Molecular consequence: intron variant.
Genome position (GRCh38, 1-based): chr10:74,043,072, T deleted; the last of 8 consecutive T bases (chr10:74,043,065-74,043,072); deleting any one gives the same sequence. VCF-style (leftmost placement, unchanged base first): chr10-74043064-AT-A. GRCh37 (hg19) VCF-style: chr10-75802822-AT-A.
Other names: NC_000010.10:g.75802830del; c.169-11delT (NM_014000.2); c.169-11del (NM_003373.4).
Identifiers: ClinVar variation 506391 (VCV000506391.10), dbSNP rs753900484, ClinGen allele CA5562715.